The following is an entry in ClinVar:

ClinVar aggregate classification (germline): Likely benign. Review status: criteria provided, multiple submitters, no conflicts (2 of 4 stars). 2 submissions from 2 submitters: Likely benign (2). Last evaluated 2025-05-31.

Conditions:
SEMA3D-related disorder. Also called: SEMA3D-related condition.

Allele frequency attached by ClinVar (database versions not stated): gnomAD exomes 0.00001 and 0.00006; gnomAD 0.00002 and 0.00003; ExAC 0.00003; TOPMed 0.00003; 1000 Genomes Project 0.00020; 1000 Genomes Project 30x 0.00031.
gnomAD v4.1: 26 of 1,612,492 alleles (0.0016%); highest among the groups gnomAD compares: East Asian, 0.042%; no homozygotes.

Submissions (2):

PreventionGenetics, part of Exact Sciences
Classification: Likely benign for SEMA3D-related condition. Last evaluated: 2025-05-31. Review status: criteria provided, single submitter. Criteria: ACMG Guidelines, 2015. Collection method: clinical testing. Allele origin: germline.
Comment: This variant is classified as likely benign based on ACMG/AMP sequence variant interpretation guidelines (Richards et al. 2015 PMID: 25741868, with internal and published modifications).

Labcorp Genetics (formerly Invitae), Labcorp
Classification: Likely benign. Last evaluated: 2018-04-02. Review status: criteria provided, single submitter. Criteria: Invitae Variant Classification Sherloc (09022015). Collection method: clinical testing. Allele origin: germline.

NM_001384900.1(SEMA3D):c.1278G>A (p.Val426=)

Gene: SEMA3D (semaphorin 3D; minus strand). Cytogenetic location: 7q21.11.
Variant type: single nucleotide variant.
Coding change: c.1278G>A on transcript NM_001384900.1 (MANE Select); coding-DNA position 1278, G replaced by A.
Protein change: p.Val426=; no amino-acid change (valine 426 retained).
Molecular consequence: synonymous variant.
Genome position (GRCh38, 1-based): chr7:85,022,527, C>T on the plus strand (G>A on the coding strand, the complement: SEMA3D is on the minus strand). VCF-style: chr7-85022527-C-T. GRCh37 (hg19) VCF-style: chr7-84651843-C-T.
Other names: c.1278G>A, p.Val426= (NM_001384901.1, NM_001384902.1, NM_001384903.1 and 1 more transcripts).
Identifiers: ClinVar variation 738435 (VCV000738435.4), dbSNP rs199899518, ClinGen allele CA4323478.